The following is an entry in ClinVar:

NM_001148.6(ANK2):c.8693C>T (p.Thr2898Ile)

Gene: ANK2 (ankyrin 2; plus strand). Cytogenetic location: 4q26.
Variant type: single nucleotide variant.
Coding change: c.8693C>T on transcript NM_001148.6 (MANE Select); coding-DNA position 8693, C replaced by T.
Protein change: p.Thr2898Ile; replaces threonine 2898 with isoleucine.
Molecular consequence: missense variant. On other transcripts: intron variant (68).
Genome position (GRCh38, 1-based): chr4:113,357,311, C>T. VCF-style: chr4-113357311-C-T. GRCh37 (hg19) VCF-style: chr4-114278467-C-T.
Other names: c.8459C>T, p.Thr2820Ile (NM_001386142.1); c.5093C>T, p.Thr1698Ile (NM_001386166.1); c.8834C>T, p.Thr2945Ile (NM_001386174.1); c.8810C>T, p.Thr2937Ile (NM_001386175.1); c.4412-3512C>T (NM_001386186.2, NM_001386148.2); c.4214-3512C>T (NM_001354269.3); c.4292-3512C>T (NM_001386187.2); c.4253-3512C>T (NM_001386147.1); and 35 more; short protein forms T2898I, T2820I, T1698I, T2937I, T2945I.
Identifiers: ClinVar variation 1764326 (VCV001764326.2), dbSNP rs1483236587, ClinGen allele CA357934625.

ClinVar aggregate classification (germline): Uncertain significance (1 of 4 stars; one submission).

Conditions:
Cardiovascular phenotype. Identifiers: MedGen CN230736.

Submission:

Ambry Genetics
Classification: Uncertain significance for Cardiovascular phenotype. Last evaluated: 2022-05-09. Review status: criteria provided, single submitter. Criteria: Ambry Variant Classification Scheme 2023. Collection method: clinical testing. Allele origin: germline.
Comment: The p.T2898I variant (also known as c.8693C>T), located in coding exon 38 of the ANK2 gene, results from a C to T substitution at nucleotide position 8693. The threonine at codon 2898 is replaced by isoleucine, an amino acid with similar properties. This amino acid position is conserved. In addition, this alteration is predicted to be tolerated by in silico analysis. Since supporting evidence is limited at this time, the clinical significance of this alteration remains unclear.